The following is an entry in ClinVar:

ClinVar aggregate classification (germline): Uncertain significance. Review status: criteria provided, multiple submitters, no conflicts (2 of 4 stars). 5 submissions from 5 submitters: Uncertain significance (5). Last evaluated 2025-08-21.

Conditions:
Epidermolysis bullosa simplex with nail dystrophy (EBS5D). Identifiers: MedGen C4225309, MONDO:0014661, OMIM 616487.
Epidermolysis bullosa simplex, Ogna type (EBS5A). Also called: Pidermolysis bullosa simplex 5A, Ogna type; EPIDERMOLYSIS BULLOSA SIMPLEX 5A, OGNA TYPE. Identifiers: Orphanet 79401, MedGen C0432317, MONDO:0007555, OMIM 131950.
Autosomal recessive limb-girdle muscular dystrophy type 2Q (LGMDR17). Also called: MUSCULAR DYSTROPHY, LIMB-GIRDLE, AUTOSOMAL RECESSIVE 17. Identifiers: Orphanet 254361, MedGen C3150989, MONDO:0013390, OMIM 613723.
Epidermolysis bullosa simplex 5C, with pyloric atresia (EBS5C). Also called: PLEC-Related Epidermolysis Bullosa with Pyloric Atresia; Epidermolysis bullosa simplex with pyloric atresia; PLEC1-Related Epidermolysis Bullosa with Pyloric Atresia. Identifiers: Orphanet 158684, MedGen C2677349, MONDO:0012807, OMIM 612138.
Epidermolysis bullosa simplex 5B, with muscular dystrophy (EBS5B). Also called: EPIDERMOLYSIS BULLOSA SIMPLEX AND LIMB-GIRDLE MUSCULAR DYSTROPHY; Epidermolysis bullosa simplex with muscular dystrophy. Identifiers: Orphanet 257, MedGen C2931072, MONDO:0009181, OMIM 226670.
Inborn genetic diseases. Identifiers: MedGen C0950123, MeSH D030342.

Allele frequency attached by ClinVar (database versions not stated): gnomAD 0.00003; gnomAD exomes 0.00005 and 0.00004; TOPMed 0.00006; ExAC 0.00008; ESP Exome Variant Server 0.00025.
gnomAD v4.1: 61 of 1,610,380 alleles (0.0038%); highest among the groups gnomAD compares: Admixed American, 0.0067%; no homozygotes.

Submissions (5):

Ambry Genetics
Classification: Uncertain significance for Inborn genetic diseases. Last evaluated: 2025-08-21. Review status: criteria provided, single submitter. Criteria: Ambry Variant Classification Scheme 2023. Collection method: clinical testing. Allele origin: germline.

Labcorp Genetics (formerly Invitae), Labcorp
Classification: Uncertain significance for Autosomal recessive limb-girdle muscular dystrophy type 2Q; Epidermolysis bullosa simplex, Ogna type; Epidermolysis bullosa simplex with nail dystrophy; Epidermolysis bullosa simplex 5C, with pyloric atresia; Epidermolysis bullosa simplex 5B, with muscular dystrophy. Last evaluated: 2025-06-10. Review status: criteria provided, single submitter. Criteria: Invitae Variant Classification Sherloc (09022015). Collection method: clinical testing. Allele origin: germline.
Comment: This sequence change replaces glycine, which is neutral and non-polar, with serine, which is neutral and polar, at codon 4509 of the PLEC protein (p.Gly4509Ser). This variant is present in population databases (rs373807877, gnomAD 0.008%). This variant has not been reported in the literature in individuals affected with PLEC-related conditions. ClinVar contains an entry for this variant (Variation ID: 471543). Invitae Evidence Modeling of protein sequence and biophysical properties (such as structural, functional, and spatial information, amino acid conservation, physicochemical variation, residue mobility, and thermodynamic stability) indicates that this missense variant is not expected to disrupt PLEC protein function with a negative predictive value of 80%. In summary, the available evidence is currently insufficient to determine the role of this variant in disease. Therefore, it has been classified as a Variant of Uncertain Significance.

Mendelics
Classification: Uncertain significance. Last evaluated: 2022-05-04. Review status: criteria provided, single submitter. Criteria: Mendelics Assertion Criteria 2019. Collection method: clinical testing. Allele origin: germline.

Revvity Omics, Revvity
Classification: Uncertain significance. Last evaluated: 2020-02-11. Review status: criteria provided, single submitter. Criteria: ACMG Guidelines, 2015. Collection method: clinical testing. Allele origin: germline.

GeneDx
Classification: Uncertain significance. Last evaluated: 2020-01-13. Review status: criteria provided, single submitter. Criteria: GeneDx Variant Classification Process June 2021. Collection method: clinical testing. Allele origin: germline. Affected: yes.
Comment: In silico analysis, which includes protein predictors and evolutionary conservation, supports that this variant does not alter protein structure/function; Has not been previously published as pathogenic or benign to our knowledge

NM_201384.3(PLEC):c.13444G>A (p.Gly4482Ser)

Gene: PLEC (plectin; minus strand). Cytogenetic location: 8q24.3.
Variant type: single nucleotide variant.
Coding change: c.13444G>A on transcript NM_201384.3 (MANE Select); coding-DNA position 13444, G replaced by A.
Protein change: p.Gly4482Ser; replaces glycine 4482 with serine.
Molecular consequence: missense variant.
Genome position (GRCh38, 1-based): chr8:143,916,377, C>T on the plus strand (G>A on the coding strand, the complement: PLEC is on the minus strand). VCF-style: chr8-143916377-C-T. GRCh37 (hg19) VCF-style: chr8-144990545-C-T.
Other names: c.13525G>A, p.Gly4509Ser (NM_000445.5); c.13402G>A, p.Gly4468Ser (NM_201378.4); c.13378G>A, p.Gly4460Ser (NM_201379.3); c.13855G>A, p.Gly4619Ser (NM_201380.4); c.13348G>A, p.Gly4450Ser (NM_201381.3); c.13444G>A, p.Gly4482Ser (NM_201382.4); c.13456G>A, p.Gly4486Ser (NM_201383.3); short protein forms G4460S, G4486S, G4450S, G4468S, G4509S, G4619S, G4482S.
Identifiers: ClinVar variation 471543 (VCV000471543.17), dbSNP rs373807877, ClinGen allele CA4923807.